The following is an entry in ClinVar:

ClinVar aggregate classification (germline): Likely pathogenic. Review status: criteria provided, multiple submitters, no conflicts (2 of 4 stars). 2 submissions from 2 submitters: Likely pathogenic (2). Last evaluated 2024-03-26.

Conditions:
Autosomal recessive limb-girdle muscular dystrophy type 2A (LGMDR1). Also called: Muscular dystrophy, limb-girdle, type 2A, Amish; Calpainopathy; LEYDEN-MOEBIUS MUSCULAR DYSTROPHY; MUSCULAR DYSTROPHY, PELVOFEMORAL; Limb-girdle muscular dystrophy, type 2A. Identifiers: Orphanet 267, MedGen C1869123, MONDO:0009675, OMIM 253600. Disease mechanism: loss of function.

Allele frequency attached by ClinVar (database versions not stated): gnomAD exomes below 0.00001.
gnomAD v4.1: 2 of 1,610,954 alleles (0.00012%); highest among the groups gnomAD compares: Non-Finnish European, 0.00017%; no homozygotes.

Submissions (2):

Natera, Inc.
Classification: Likely pathogenic for Limb-girdle muscular dystrophy type 2A. Last evaluated: 2024-03-26. Review status: criteria provided, single submitter. Criteria: Natera Variant Classification Schema (03/2026). Collection method: clinical testing. Allele origin: germline.
Comment: The c.379+1G>A variant in CAPN3 is a canonical splice donor site variant predicted to affect pre-mRNA splicing, which may result in an abnormal transcript and altered protein product. This variant is expected to result in nonsense mediated decay, truncation, or a dysfunctional protein product. This variant is rare in the general population with a frequency below the threshold expected for the associated phenotype(s). Given the available evidence, this variant is classified as Likely Pathogenic.

Labcorp Genetics (formerly Invitae), Labcorp
Classification: Likely pathogenic for Autosomal recessive limb-girdle muscular dystrophy type 2A. Last evaluated: 2023-09-23. Review status: criteria provided, single submitter. Criteria: Invitae Variant Classification Sherloc (09022015). Collection method: clinical testing. Allele origin: germline.
Comment: This sequence change affects a donor splice site in intron 2 of the CAPN3 gene. It is expected to disrupt RNA splicing. Variants that disrupt the donor or acceptor splice site typically lead to a loss of protein function (PMID: 16199547), and loss-of-function variants in CAPN3 are known to be pathogenic (PMID: 10330340, 15689361). This variant is not present in population databases (gnomAD no frequency). Disruption of this splice site has been observed in individual(s) with clinical features of autosomal recessive CAPN3-related conditions (Invitae). ClinVar contains an entry for this variant (Variation ID: 2090416). Algorithms developed to predict the effect of sequence changes on RNA splicing suggest that this variant may disrupt the consensus splice site. In summary, the currently available evidence indicates that the variant is pathogenic, but additional data are needed to prove that conclusively. Therefore, this variant has been classified as Likely Pathogenic.

Literature cited by the submitters: PubMed 16199547 (cited by Labcorp Genetics (formerly Invitae), Labcorp); PubMed 10330340 (cited by Labcorp Genetics (formerly Invitae), Labcorp); PubMed 15689361 (cited by Labcorp Genetics (formerly Invitae), Labcorp).

NM_000070.3(CAPN3):c.379+1G>A

Gene: CAPN3 (calpain 3; plus strand). Cytogenetic location: 15q15.1.
Variant type: single nucleotide variant.
Coding change: c.379+1G>A on transcript NM_000070.3 (MANE Select); the canonical splice donor site of the intron after coding-DNA position 379, G replaced by A.
Molecular consequence: splice donor variant.
Genome position (GRCh38, 1-based): chr15:42,384,553, G>A. VCF-style: chr15-42384553-G-A. GRCh37 (hg19) VCF-style: chr15-42676751-G-A.
Other names: c.379+1G>A (NM_000070.2, NM_024344.2, NM_173087.2).
Identifiers: ClinVar variation 2090416 (VCV002090416.5), dbSNP rs2548252825, ClinGen allele CA391997453.